The following is an entry in ClinVar:

ClinVar aggregate classification (germline): Uncertain significance. Review status: criteria provided, multiple submitters, no conflicts (2 of 4 stars). 2 submissions from 2 submitters: Uncertain significance (2). Last evaluated 2025-10-22.

Conditions:
TH-deficient dopa-responsive dystonia. Also called: Tyrosine Hydroxylase-Deficient Dopa-Responsive Dystonia; Segawa syndrome, autosomal recessive; DYT-TH. Identifiers: Orphanet 101150, MedGen C2673535, MONDO:0011551, OMIM 605407.
Inborn genetic diseases. Identifiers: MedGen C0950123, MeSH D030342.

Allele frequency attached by ClinVar (database versions not stated): gnomAD exomes 0.00002; gnomAD 0.00003; TOPMed 0.00003; ExAC 0.00005; 1000 Genomes Project 30x 0.00016.
gnomAD v4.1: 32 of 1,612,256 alleles (0.002%); highest among the groups gnomAD compares: South Asian, 0.02%; no homozygotes.

Submissions (2):

Ambry Genetics
Classification: Uncertain significance for Inborn genetic diseases. Last evaluated: 2025-10-22. Review status: criteria provided, single submitter. Criteria: Ambry Variant Classification Scheme 2023. Collection method: clinical testing. Allele origin: germline.

Labcorp Genetics (formerly Invitae), Labcorp
Classification: Uncertain significance for TH-deficient dopa-responsive dystonia. Last evaluated: 2022-04-25. Review status: criteria provided, single submitter. Criteria: Invitae Variant Classification Sherloc (09022015). Collection method: clinical testing. Allele origin: germline.
Comment: This sequence change replaces alanine, which is neutral and non-polar, with valine, which is neutral and non-polar, at codon 190 of the TH protein (p.Ala190Val). This variant is present in population databases (rs746990095, gnomAD 0.03%). This variant has not been reported in the literature in individuals affected with TH-related conditions. Advanced modeling of protein sequence and biophysical properties (such as structural, functional, and spatial information, amino acid conservation, physicochemical variation, residue mobility, and thermodynamic stability) performed at Invitae indicates that this missense variant is not expected to disrupt TH protein function. In summary, the available evidence is currently insufficient to determine the role of this variant in disease. Therefore, it has been classified as a Variant of Uncertain Significance.

NM_000360.4(TH):c.476C>T (p.Ala159Val)

Gene: TH (tyrosine hydroxylase; minus strand). Cytogenetic location: 11p15.5.
Variant type: single nucleotide variant.
Coding change: c.476C>T on transcript NM_000360.4 (MANE Select); coding-DNA position 476, C replaced by T.
Protein change: p.Ala159Val; replaces alanine 159 with valine.
Molecular consequence: missense variant.
Genome position (GRCh38, 1-based): chr11:2,168,502, G>A on the plus strand (C>T on the coding strand, the complement: TH is on the minus strand). VCF-style: chr11-2168502-G-A. GRCh37 (hg19) VCF-style: chr11-2189732-G-A.
Other names: c.569C>T (NM_199292.2); c.569C>T, p.Ala190Val (NM_199292.3); c.557C>T, p.Ala186Val (NM_199293.3); short protein forms A159V, A186V, A190V.
Identifiers: ClinVar variation 2189261 (VCV002189261.2), dbSNP rs746990095, ClinGen allele CA5818648.
Genomic context (GRCh38, chr11:2,168,502, plus strand): 5'-AGCCTCTCAAGGTCATTTGGTGGCCCTCAAGGACAGAAAACCGCCTCACCCTTGGGCCCC[G>A]CGGGGCTGCGCACGTCCTCTGACACCTGGCGCACACCACTGAGCAGGGCGGCCAGGTCCC-3'
Protein context (NP_000351.2, residues 149-169): RQVSEDVRSP[Ala159Val]GPKVPWFPRK